The following is an entry in ClinVar:

NM_033198.4(PIGS):c.610C>G (p.Leu204Val)

Gene: PIGS (phosphatidylinositol glycan anchor biosynthesis class S; minus strand). Cytogenetic location: 17q11.2.
Variant type: single nucleotide variant.
Coding change: c.610C>G on transcript NM_033198.4 (MANE Select); coding-DNA position 610, C replaced by G.
Protein change: p.Leu204Val; replaces leucine 204 with valine.
Molecular consequence: missense variant.
Genome position (GRCh38, 1-based): chr17:28,561,488, G>C on the plus strand (C>G on the coding strand, the complement: PIGS is on the minus strand). VCF-style: chr17-28561488-G-C. GRCh37 (hg19) VCF-style: chr17-26888506-G-C.
Other names: short protein forms L204V.
Identifiers: ClinVar variation 2367089 (VCV002367089.27), dbSNP rs140545278, ClinGen allele CA8460240.

ClinVar aggregate classification (germline): Conflicting classifications of pathogenicity. Review status: criteria provided, conflicting classifications (1 of 4 stars). 3 submissions from 3 submitters: Uncertain significance (1); Likely benign (2). Last evaluated 2026-08-01.

Conditions:
Inborn genetic diseases. Identifiers: MedGen C0950123, MeSH D030342.

Allele frequency attached by ClinVar (database versions not stated): ExAC 0.00024; ESP Exome Variant Server 0.00031; gnomAD exomes 0.00040; TOPMed 0.00046; gnomAD 0.00054.
gnomAD v4.1: 661 of 1,613,992 alleles (0.041%); highest among the groups gnomAD compares: Non-Finnish European, 0.051%; 1 homozygote.

Submissions (3):

CeGaT Center for Human Genetics Tuebingen
Classification: Likely benign. Last evaluated: 2026-08-01. Review status: criteria provided, single submitter. Criteria: CeGaT Center For Human Genetics Tuebingen Variant Classification Criteria Version 2. Collection method: clinical testing. Allele origin: germline. Affected: yes. Observed: 5 variant alleles.
Comment: PIGS: BP4

GeneDx
Classification: Uncertain significance. Last evaluated: 2026-03-17. Review status: criteria provided, single submitter. Criteria: GeneDx Variant Classification Process June 2021. Collection method: clinical testing. Allele origin: germline.
Comment: In silico analysis suggests that this missense variant does not alter protein structure/function; Has not been previously published as pathogenic or benign to our knowledge

Ambry Genetics
Classification: Likely benign for Inborn genetic diseases. Last evaluated: 2024-03-27. Review status: criteria provided, single submitter. Criteria: Ambry Variant Classification Scheme 2023. Collection method: clinical testing. Allele origin: germline.